The following is an entry in ClinVar:

ClinVar aggregate classification (germline): Uncertain significance. Review status: criteria provided, multiple submitters, no conflicts (2 of 4 stars). 2 submissions from 2 submitters: Uncertain significance (2). Last evaluated 2023-04-14.

Conditions:
Inborn genetic diseases. Identifiers: MedGen C0950123, MeSH D030342.

Allele frequency attached by ClinVar (database versions not stated): gnomAD exomes below 0.00001.
gnomAD v4.1: 3 of 1,612,834 alleles (0.00019%); highest among the groups gnomAD compares: Non-Finnish European, 0.00017%; no homozygotes.

Submissions (2):

GeneDx
Classification: Uncertain significance. Last evaluated: 2023-04-14. Review status: criteria provided, single submitter. Criteria: GeneDx Variant Classification Process June 2021. Collection method: clinical testing. Allele origin: germline. Affected: yes.
Comment: Not observed at significant frequency in large population cohorts (gnomAD); In silico analysis supports that this missense variant has a deleterious effect on protein structure/function; Has not been previously published as pathogenic or benign to our knowledge

Ambry Genetics
Classification: Uncertain significance for Inborn genetic diseases. Last evaluated: 2023-02-28. Review status: criteria provided, single submitter. Criteria: Ambry Variant Classification Scheme 2023. Collection method: clinical testing. Allele origin: germline.

NM_001194.4(HCN2):c.1420C>T (p.Arg474Cys)

Gene: HCN2 (hyperpolarization activated cyclic nucleotide gated potassium and sodium channel 2; plus strand). Cytogenetic location: 19p13.3.
Variant type: single nucleotide variant.
Coding change: c.1420C>T on transcript NM_001194.4 (MANE Select); coding-DNA position 1420, C replaced by T.
Protein change: p.Arg474Cys; replaces arginine 474 with cysteine.
Molecular consequence: missense variant.
Genome position (GRCh38, 1-based): chr19:608,165, C>T. VCF-style: chr19-608165-C-T. GRCh37 (hg19) VCF-style: chr19-608165-C-T.
Other names: short protein forms R474C.
Identifiers: ClinVar variation 2490332 (VCV002490332.3), dbSNP rs1600530207, ClinGen allele CA402878004.